The following is an entry in ClinVar:

NM_001032382.2(PQBP1):c.374A>G (p.Asp125Gly)

Gene: PQBP1 (polyglutamine binding protein 1; plus strand). Cytogenetic location: Xp11.23.
Variant type: single nucleotide variant.
Coding change: c.374A>G on transcript NM_001032382.2 (MANE Select); coding-DNA position 374, A replaced by G.
Protein change: p.Asp125Gly; replaces aspartic acid 125 with glycine.
Molecular consequence: missense variant. On other transcripts: intron variant (2).
Genome position (GRCh38, 1-based): chrX:48,902,314, A>G. VCF-style: chrX-48902314-A-G. GRCh37 (hg19) VCF-style: chrX-48759591-A-G.
Other names: c.374A>G, p.Asp125Gly (NM_001032381.2, NM_001032383.2, NM_001032384.1 and 2 more transcripts); c.350A>G, p.Asp117Gly (NM_001167990.2); c.292+272A>G (NM_144495.3); c.202-128A>G (NM_001167992.1); short protein forms D117G, D125G.
Identifiers: ClinVar variation 2442518 (VCV002442518.2), dbSNP rs2519617958, ClinGen allele CA412889692.

ClinVar aggregate classification (germline): Uncertain significance (1 of 4 stars; one submission).

Submission:

GeneDx
Classification: Uncertain significance. Last evaluated: 2025-07-02. Review status: criteria provided, single submitter. Criteria: GeneDx Variant Classification Process June 2021. Collection method: clinical testing. Allele origin: germline. Affected: yes.
Comment: Has not been previously published as pathogenic or benign to our knowledge; Not observed at significant frequency in large population cohorts (gnomAD); In silico analysis supports that this missense variant does not alter protein structure/function